The following is an entry in ClinVar:

NM_001277115.2(DNAH11):c.10399G>T (p.Ala3467Ser)

Gene: DNAH11 (dynein axonemal heavy chain 11; plus strand). Cytogenetic location: 7p15.3.
Variant type: single nucleotide variant.
Coding change: c.10399G>T on transcript NM_001277115.2 (MANE Select); coding-DNA position 10399, G replaced by T.
Protein change: p.Ala3467Ser; replaces alanine 3467 with serine.
Molecular consequence: missense variant.
Genome position (GRCh38, 1-based): chr7:21,816,533, G>T. VCF-style: chr7-21816533-G-T. GRCh37 (hg19) VCF-style: chr7-21856151-G-T.
Other names: c.10420G>T, p.Ala3474Ser (NM_003777.3); c.10399G>T (NM_001277115.1); short protein forms A3467S, A3474S.
Identifiers: ClinVar variation 2142482 (VCV002142482.6), dbSNP rs2214326, ClinGen allele CA366948278.
Genomic context (GRCh38, chr7:21,816,533, plus strand): 5'-ATTCCACTAACCGAAGGCCTGGACTTGATATCCATGTTGACGGATGATGCTACAATTGCC[G>T]CCTGGAATAACGAAGGACTGCCCAGTGACAGAATGTCCACCGAAAATGCCGCTATCCTAA-3'
Protein context (NP_001264044.1, residues 3457-3477): SMLTDDATIA[Ala3467Ser]WNNEGLPSDR

ClinVar aggregate classification (germline): Conflicting classifications of pathogenicity. Review status: criteria provided, conflicting classifications (1 of 4 stars). 2 submissions from 2 submitters: Uncertain significance (1); Benign (1). Last evaluated 2025-11-03.

Conditions:
Primary ciliary dyskinesia. Also called: Ciliary dyskinesia. Identifiers: Orphanet 244, MedGen C0008780, MONDO:0016575, HP:0012265.

gnomAD v4.1: 10 of 1,611,670 alleles (0.00062%); highest among the groups gnomAD compares: Admixed American, 0.0017%; no homozygotes.

Submissions (2):

Labcorp Genetics (formerly Invitae), Labcorp
Classification: Benign for Primary ciliary dyskinesia. Last evaluated: 2025-11-03. Review status: criteria provided, single submitter. Criteria: Invitae Variant Classification Sherloc (09022015). Collection method: clinical testing. Allele origin: germline.

Ambry Genetics
Classification: Uncertain significance for Primary ciliary dyskinesia. Last evaluated: 2025-10-22. Review status: criteria provided, single submitter. Criteria: Ambry Variant Classification Scheme 2023. Collection method: clinical testing. Allele origin: germline.
Comment: The c.10399G>T (p.A3467S) alteration is located in exon 64 (coding exon 64) of the DNAH11 gene. This alteration results from a G to T substitution at nucleotide position 10399, causing the alanine (A) at amino acid position 3467 to be replaced by a serine (S). Based on data from gnomAD, the T allele has an overall frequency of <0.001% (1/246088) total alleles studied. The highest observed frequency was 0.001% (1/111584) of European (non-Finnish) alleles. Based on insufficient or conflicting evidence, the clinical significance of this alteration remains unclear.